The following is an entry in ClinVar:

ClinVar aggregate classification (germline): Uncertain significance (1 of 4 stars; one submission).

Conditions:
Baller-Gerold syndrome (BGS). Also called: CRANIOSYNOSTOSIS WITH RADIAL DEFECTS. Identifiers: Orphanet 1225, MedGen C0265308, MONDO:0009039, OMIM 218600.

Submission:

Labcorp Genetics (formerly Invitae), Labcorp
Classification: Uncertain significance for Baller-Gerold syndrome. Last evaluated: 2022-09-26. Review status: criteria provided, single submitter. Criteria: Invitae Variant Classification Sherloc (09022015). Collection method: clinical testing. Allele origin: germline.
Comment: In summary, the available evidence is currently insufficient to determine the role of this variant in disease. Therefore, it has been classified as a Variant of Uncertain Significance. Algorithms developed to predict the effect of sequence changes on RNA splicing suggest that this variant may create or strengthen a splice site. This sequence change affects codon 392 of the RECQL4 mRNA. It is a 'silent' change, meaning that it does not change the encoded amino acid sequence of the RECQL4 protein. This variant is not present in population databases (gnomAD no frequency). This variant has not been reported in the literature in individuals affected with RECQL4-related conditions.

NM_004260.4(RECQL4):c.1176T>C (p.Gly392=)

Gene: RECQL4 (RecQ like helicase 4; minus strand). Cytogenetic location: 8q24.3.
Variant type: single nucleotide variant.
Coding change: c.1176T>C on transcript NM_004260.4 (MANE Select); coding-DNA position 1176, T replaced by C.
Protein change: p.Gly392=; no amino-acid change (glycine 392 retained).
Molecular consequence: synonymous variant. On other transcripts: missense variant (5), non-coding transcript variant (3), intron variant (1).
Genome position (GRCh38, 1-based): chr8:144,515,846, A>G on the plus strand (T>C on the coding strand, the complement: RECQL4 is on the minus strand). VCF-style: chr8-144515846-A-G. GRCh37 (hg19) VCF-style: chr8-145741230-A-G.
Other names: c.1080T>C, p.Gly360= (NM_001413017.1, NM_001413020.1); c.1176T>C, p.Gly392= (NM_001413018.1, NM_001413019.1, NM_001413033.1 and 2 more transcripts); c.105T>C, p.Gly35= (NM_001413021.1, NM_001413022.1, NM_001413023.1 and 8 more transcripts); c.1047T>C, p.Gly349= (NM_001413025.1); c.43T>C, p.Trp15Arg (NM_001413027.1, NM_001413030.1, NM_001413031.1 and 2 more transcripts); c.825T>C, p.Gly275= (NM_001413029.1); c.-210+142T>C (NM_001413043.1); short protein forms W15R.
Identifiers: ClinVar variation 2054615 (VCV002054615.4), dbSNP rs1054027953, ClinGen allele CA463473931.